The following is an entry in ClinVar:

ClinVar aggregate classification (germline): Pathogenic (1 of 4 stars; one submission).

Submission:

GeneDx
Classification: Pathogenic. Last evaluated: 2019-03-24. Review status: criteria provided, single submitter. Criteria: GeneDx Variant Classification (06012015). Collection method: clinical testing. Allele origin: germline. Affected: yes.
Comment: The c.721_722delAA variant in the MSL3 gene has not been reported previously as a pathogenic variant nor as a benign variant, to our knowledge. The c.721_722delAA variant causes a frameshift starting with codon Lysine 241, changes this amino acid to a Glutamic acid residue, and creates a premature Stop codon at position 6 of the new reading frame, denoted p.Lys241GlufsX6. This variant is predicted to cause loss of normal protein function either through protein truncation or nonsense-mediated mRNA decay. The c.721_722delAA variant is not observed in large population cohorts (Lek et al., 2016). We interpret c.721_722delAA as a pathogenic variant

NM_078629.4(MSL3):c.1168_1169del (p.Lys390fs)

Gene: MSL3 (MSL complex subunit 3; plus strand). Cytogenetic location: Xp22.2.
Variant type: Deletion.
Coding change: c.1168_1169del on transcript NM_078629.4 (MANE Select); coding-DNA positions 1168 to 1169, 2 bases deleted (AA; older notation c.1168_1169delAA).
Protein change: p.Lys390fs; shifts the reading frame from lysine 390.
Molecular consequence: frameshift variant.
Genome position (GRCh38, 1-based): chrX:11,765,726-11,765,727, AA deleted; deleting any 2 consecutive bases within chrX:11,765,724-11,765,727 gives the same sequence; the c. name uses the placement nearest the transcript's 3' end. VCF-style (leftmost placement, unchanged base first): chrX-11765723-GAA-G. GRCh37 (hg19) VCF-style: chrX-11783842-GAA-G.
Other names: c.1132_1133del, p.Lys378fs (NM_001193270.2); c.721_722del, p.Lys241fs (NM_001282174.1); c.670_671del, p.Lys224fs (NM_006800.4); c.1168_1169del, p.Lys390fs (NM_078628.2); c.721_722delAA (NM_001282174.1); short protein forms K224fs, K241fs, K378fs, K390fs.
Identifiers: ClinVar variation 817495 (VCV000817495.1), dbSNP rs1601769873, ClinGen allele CA915952351.